The following is an entry in ClinVar:

NM_017433.5(MYO3A):c.2180del (p.Asn727fs)

Gene: MYO3A (myosin IIIA; plus strand). Cytogenetic location: 10p12.1.
Variant type: Deletion.
Coding change: c.2180del on transcript NM_017433.5 (MANE Select); coding-DNA position 2180, one base deleted (A; older notation c.2180delA).
Protein change: p.Asn727fs; shifts the reading frame from asparagine 727.
Molecular consequence: frameshift variant.
Genome position (GRCh38, 1-based): chr10:26,128,456, A deleted; the last of 8 consecutive A bases (chr10:26,128,449-26,128,456); deleting any one gives the same sequence. VCF-style (leftmost placement, unchanged base first): chr10-26128448-CA-C. GRCh37 (hg19) VCF-style: chr10-26417377-CA-C.
Other names: short protein forms N727fs.
Identifiers: ClinVar variation 5016707 (VCV005016707.1).

ClinVar aggregate classification (germline): Likely pathogenic (1 of 4 stars; one submission).

Submission:

GeneDx
Classification: Likely pathogenic. Last evaluated: 2026-03-31. Review status: criteria provided, single submitter. Criteria: GeneDx Variant Classification Process June 2021. Collection method: clinical testing. Allele origin: germline.
Comment: Frameshift variant predicted to result in protein truncation or nonsense mediated decay in a gene for which loss of function is a known mechanism of disease; Has not been previously published as pathogenic or benign to our knowledge